The following is an entry in ClinVar:

NM_006363.6(SEC23B):c.1198T>C (p.Phe400Leu)

Gene: SEC23B (SEC23 homolog B, COPII component; plus strand). Cytogenetic location: 20p11.23.
Variant type: single nucleotide variant.
Coding change: c.1198T>C on transcript NM_006363.6 (MANE Select); coding-DNA position 1198, T replaced by C.
Protein change: p.Phe400Leu; replaces phenylalanine 400 with leucine.
Molecular consequence: missense variant.
Genome position (GRCh38, 1-based): chr20:18,530,768, T>C. VCF-style: chr20-18530768-T-C. GRCh37 (hg19) VCF-style: chr20-18511412-T-C.
Other names: c.1198T>C, p.Phe400Leu (NM_001172745.3, NM_032985.6, NM_032986.5); c.1144T>C, p.Phe382Leu (NM_001172746.3); short protein forms F400L, F382L.
Identifiers: ClinVar variation 337792 (VCV000337792.46), dbSNP rs142461689, ClinGen allele CA9778252.

ClinVar aggregate classification (germline): Conflicting classifications of pathogenicity. Review status: criteria provided, conflicting classifications (1 of 4 stars). 7 submissions from 7 submitters: Uncertain significance (3); Likely benign (3). 1 of the submissions does not count toward it. Last evaluated 2026-02-02.

Conditions:
SEC23B-related disorder. Also called: SEC23B-related disorders; SEC23B-related condition.
Congenital dyserythropoietic anemia, type II (CDAN2). Also called: DYSERYTHROPOIETIC ANEMIA, HEMPAS TYPE. Identifiers: Orphanet 98873, MedGen C1306589, MONDO:0009134, OMIM 224100.
Cowden syndrome 7 (CWS7). Identifiers: Orphanet 201, MedGen C4225179, MONDO:0014802, OMIM 616858.

Allele frequency attached by ClinVar (database versions not stated): 1000 Genomes Project 30x 0.00031; 1000 Genomes Project 0.00040; TOPMed 0.00061; ESP Exome Variant Server 0.00069; gnomAD 0.00082 and 0.00084; ExAC 0.00102; gnomAD exomes 0.00102.
gnomAD v4.1: 1,461 of 1,613,776 alleles (0.091%); highest among the groups gnomAD compares: Non-Finnish European, 0.091%; 2 homozygotes.

Submissions (7):

Labcorp Genetics (formerly Invitae), Labcorp
Classification: Likely benign for Congenital dyserythropoietic anemia, type II; Cowden syndrome 7. Last evaluated: 2026-02-02. Review status: criteria provided, single submitter. Criteria: Invitae Variant Classification Sherloc (09022015). Collection method: clinical testing. Allele origin: germline.

CeGaT Center for Human Genetics Tuebingen
Classification: Likely benign. Last evaluated: 2025-05-01. Review status: criteria provided, single submitter. Criteria: CeGaT Center For Human Genetics Tuebingen Variant Classification Criteria Version 2. Collection method: clinical testing. Allele origin: germline. Affected: yes. Observed: 2 variant alleles.
Comment: SEC23B: BS1

Blueprint Genetics
Classification: Likely benign. Last evaluated: 2024-11-28. Review status: criteria provided, single submitter. Criteria: ACMG Guidelines, 2015. Collection method: clinical testing. Allele origin: germline.

Mayo Clinic Laboratories, Mayo Clinic
Classification: Uncertain significance. Last evaluated: 2022-03-02. Review status: criteria provided, single submitter. Criteria: ACMG Guidelines, 2015. Collection method: clinical testing. Allele origin: germline. Observed: 20 variant alleles.

ARUP Laboratories, Molecular Genetics and Genomics, ARUP Laboratories
Classification: Uncertain significance. Last evaluated: 2021-06-16. Review status: criteria provided, single submitter. Criteria: ARUP Molecular Germline Variant Investigation Process 2021. Collection method: clinical testing. Allele origin: germline.

Illumina Laboratory Services, Illumina
Classification: Uncertain significance for Congenital dyserythropoietic anemia, type II. Last evaluated: 2018-01-12. Review status: criteria provided, single submitter. Criteria: ICSL Variant Classification Criteria 13 December 2019. Collection method: clinical testing. Allele origin: germline.

PreventionGenetics, part of Exact Sciences
Classification: Likely benign for SEC23B-related condition. Last evaluated: 2023-11-29. Review status: no assertion criteria provided. Collection method: clinical testing. Allele origin: germline. Not counted in ClinVar's aggregate classification.
Comment: This variant is classified as likely benign based on ACMG/AMP sequence variant interpretation guidelines (Richards et al. 2015 PMID: 25741868, with internal and published modifications).